The following is an entry in ClinVar:

NM_015978.3(TNNI3K):c.1418C>A (p.Ser473Tyr)

Genes: FPGT-TNNI3K (FPGT-TNNI3K readthrough; plus strand), TNNI3K (TNNI3 interacting kinase; plus strand). Cytogenetic location: 1p31.1.
Variant type: single nucleotide variant.
Coding change: c.1418C>A on transcript NM_015978.3 (MANE Select); coding-DNA position 1418, C replaced by A.
Protein change: p.Ser473Tyr; replaces serine 473 with tyrosine.
Molecular consequence: missense variant.
Genome position (GRCh38, 1-based): chr1:74,369,210, C>A. VCF-style: chr1-74369210-C-A. GRCh37 (hg19) VCF-style: chr1-74834894-C-A.
Other names: c.1721C>A, p.Ser574Tyr (NM_001112808.3, NM_001199327.2); c.1418C>A (NM_015978.2); short protein forms S574Y, S473Y.
Identifiers: ClinVar variation 2874347 (VCV002874347.4), dbSNP rs765252624, ClinGen allele CA340785919.

ClinVar aggregate classification (germline): Uncertain significance. Review status: criteria provided, multiple submitters, no conflicts (2 of 4 stars). 2 submissions from 2 submitters: Uncertain significance (2). Last evaluated 2026-07-19.

Conditions:
Inborn genetic diseases. Identifiers: MedGen C0950123, MeSH D030342.

Allele frequency attached by ClinVar (database versions not stated): gnomAD exomes 0.00001; TOPMed 0.00001.
gnomAD v4.1: 9 of 1,609,772 alleles (0.00056%); highest among the groups gnomAD compares: South Asian, 0.0011%; no homozygotes.

Submissions (2):

Ambry Genetics
Classification: Uncertain significance for Inborn genetic diseases. Last evaluated: 2026-07-19. Review status: criteria provided, single submitter. Criteria: Ambry Variant Classification Scheme 2023. Collection method: clinical testing. Allele origin: germline.

Labcorp Genetics (formerly Invitae), Labcorp
Classification: Uncertain significance. Last evaluated: 2024-01-14. Review status: criteria provided, single submitter. Criteria: Invitae Variant Classification Sherloc (09022015). Collection method: clinical testing. Allele origin: germline.
Comment: This sequence change replaces serine, which is neutral and polar, with tyrosine, which is neutral and polar, at codon 473 of the TNNI3K protein (p.Ser473Tyr). This variant is not present in population databases (gnomAD no frequency). This variant has not been reported in the literature in individuals affected with TNNI3K-related conditions. Advanced modeling of protein sequence and biophysical properties (such as structural, functional, and spatial information, amino acid conservation, physicochemical variation, residue mobility, and thermodynamic stability) has been performed at Invitae for this missense variant, however the output from this modeling did not meet the statistical confidence thresholds required to predict the impact of this variant on TNNI3K protein function. In summary, the available evidence is currently insufficient to determine the role of this variant in disease. Therefore, it has been classified as a Variant of Uncertain Significance.